The following is an entry in ClinVar:

NM_000199.5(SGSH):c.812C>T (p.Thr271Met)

Gene: SGSH (N-sulfoglucosamine sulfohydrolase; minus strand). Cytogenetic location: 17q25.3.
Variant type: single nucleotide variant.
Coding change: c.812C>T on transcript NM_000199.5 (MANE Select); coding-DNA position 812, C replaced by T.
Protein change: p.Thr271Met; replaces threonine 271 with methionine.
Molecular consequence: missense variant. On other transcripts: non-coding transcript variant (1).
Genome position (GRCh38, 1-based): chr17:80,212,208, G>A on the plus strand (C>T on the coding strand, the complement: SGSH is on the minus strand). VCF-style: chr17-80212208-G-A. GRCh37 (hg19) VCF-style: chr17-78186007-G-A.
Other names: c.812C>T, p.Thr271Met (NM_001352921.3, NM_001352922.2); short protein forms T271M.
Identifiers: ClinVar variation 522769 (VCV000522769.18), dbSNP rs746776254, ClinGen allele CA401359955.

ClinVar aggregate classification (germline): Pathogenic/Likely pathogenic. Review status: criteria provided, multiple submitters, no conflicts (2 of 4 stars). 7 submissions from 7 submitters: Pathogenic (1); Likely pathogenic (6). Last evaluated 2026-01-09.

Conditions:
Mucopolysaccharidosis, MPS-III-A (MPS3A). Also called: SANFILIPPO SYNDROME A; SULFAMIDASE DEFICIENCY; MPS III A; MUCOPOLYSACCHARIDOSIS, TYPE IIIA, ATTENUATED; Mucopolysaccharidosis type IIIA (Sanfilippo A); MPS IIIA (Sanfilippo Syndrome Type A). Identifiers: Orphanet 581, Orphanet 79269, MedGen C0086647, MONDO:0009655, OMIM 252900.

Allele frequency attached by ClinVar (database versions not stated): TOPMed below 0.00001; gnomAD 0.00001.
gnomAD v4.1: 5 of 1,613,256 alleles (0.00031%); highest among the groups gnomAD compares: South Asian, 0.0011%; no homozygotes.

Submissions (7):

Labcorp Genetics (formerly Invitae), Labcorp
Classification: Pathogenic for Mucopolysaccharidosis, MPS-III-A. Last evaluated: 2026-01-09. Review status: criteria provided, single submitter. Criteria: Invitae Variant Classification Sherloc (09022015). Collection method: clinical testing. Allele origin: germline.
Comment: This sequence change replaces threonine, which is neutral and polar, with methionine, which is neutral and non-polar, at codon 271 of the SGSH protein (p.Thr271Met). This variant is present in population databases (no rsID available, gnomAD 0.003%). This missense change has been observed in individuals with SGSH-related conditions (PMID: 21204211, 28844463). ClinVar contains an entry for this variant (Variation ID: 522769). Invitae Evidence Modeling of protein sequence and biophysical properties (such as structural, functional, and spatial information, amino acid conservation, physicochemical variation, residue mobility, and thermodynamic stability) has been performed for this missense variant. However, the output from this modeling did not meet the statistical confidence thresholds required to predict the impact of this variant on SGSH protein function. For these reasons, this variant has been classified as Pathogenic.

Institute of Immunology and Genetics Kaiserslautern
Classification: Likely pathogenic for Mucopolysaccharidosis, MPS-III-A. Last evaluated: 2025-12-16. Review status: criteria provided, single submitter. Criteria: ACMG Guidelines, 2015. Collection method: clinical testing. Allele origin: maternal. Affected: yes.
Comment: ACMG Criteria: PS4, PM2_P, PM3, PP3; Variant was found in heterozygous state. Variant was forund in compound heterozygous state with SGSH(NM_000199.5):c.892T>C,Exon 7,p.(Ser298Pro)

Genetics and Genomic Medicine Centre, NeuroGen Healthcare, NeuroGen Healthcare
Classification: Likely pathogenic for Mucopolysaccharidosis, MPS-III-A. Last evaluated: 2025-10-18. Review status: criteria provided, single submitter. Criteria: ACMG Guidelines, 2015. Collection method: clinical testing. Allele origin: unknown. Affected: yes.

Natera, Inc.
Classification: Likely pathogenic for Mucopolysaccharidosis type IIIA. Last evaluated: 2025-08-15. Review status: criteria provided, single submitter. Criteria: Natera Variant Classification Schema (03/2026). Collection method: clinical testing. Allele origin: germline.
Comment: The c.812C>T variant in SGSH is a missense variant predicted to cause substitution of threonine to methionine at amino acid 271. This variant is rare in the general population with a frequency below the threshold expected for the associated phenotype(s). This variant has been observed in one or more individuals affected with the associated recessive disease, as either homozygous or compound heterozygous with a second variant (PMID: 28844463, 21204211). This variant has been identified in one or more affected individuals with a phenotype highly consistent with the associated gene (PMID: 21204211). Computational prediction algorithms indicate this variant is likely to affect gene or protein function. Given the available evidence, this variant is classified as Likely Pathogenic.

Revvity Omics, Revvity
Classification: Likely pathogenic for Mucopolysaccharidosis, MPS-III-A. Last evaluated: 2025-06-12. Review status: criteria provided, single submitter. Criteria: ACMG Guidelines, 2015. Collection method: clinical testing. Allele origin: germline.

Fulgent Genetics
Classification: Likely pathogenic for Mucopolysaccharidosis, MPS-III-A. Last evaluated: 2021-10-05. Review status: criteria provided, single submitter. Criteria: ACMG Guidelines, 2015. Collection method: clinical testing. Allele origin: unknown.

Genomic Research Center, Shahid Beheshti University of Medical Sciences
Classification: Likely pathogenic for Mucopolysaccharidosis, MPS-III-A. Last evaluated: 2017-12-03. Review status: criteria provided, single submitter. Criteria: ACMG Guidelines, 2015. Collection method: clinical testing. Allele origin: inherited. Affected: yes.

Literature cited by the submitters: PubMed 21204211 (cited by Labcorp Genetics (formerly Invitae), Labcorp and Natera, Inc.); PubMed 28844463 (cited by Labcorp Genetics (formerly Invitae), Labcorp and Natera, Inc.).